The following is an entry in ClinVar:

ClinVar aggregate classification (germline): Uncertain significance (1 of 4 stars; one submission).

Conditions:
Hereditary cancer-predisposing syndrome. Also called: Neoplastic Syndromes, Hereditary; Tumor predisposition; Hereditary neoplastic syndrome; Hereditary Cancer Syndrome. Identifiers: Orphanet 140162, MedGen C0027672, MeSH D009386, MONDO:0015356.

Submission:

Ambry Genetics
Classification: Uncertain significance for Hereditary cancer-predisposing syndrome. Last evaluated: 2020-02-27. Review status: criteria provided, single submitter. Criteria: Ambry Variant Classification Scheme 2023. Collection method: clinical testing. Allele origin: germline.
Comment: The p.M137L variant (also known as c.409A>T), located in coding exon 4 of the SDHAF2 gene, results from an A to T substitution at nucleotide position 409. The methionine at codon 137 is replaced by leucine, an amino acid with highly similar properties. This amino acid position is not well conserved in available vertebrate species. In addition, this alteration is predicted to be tolerated by in silico analysis. Since supporting evidence is limited at this time, the clinical significance of this alteration remains unclear.

NM_017841.4(SDHAF2):c.409A>T (p.Met137Leu)

Gene: SDHAF2 (succinate dehydrogenase complex assembly factor 2; plus strand). Cytogenetic location: 11q12.2.
Variant type: single nucleotide variant.
Coding change: c.409A>T on transcript NM_017841.4 (MANE Select); coding-DNA position 409, A replaced by T.
Protein change: p.Met137Leu; replaces methionine 137 with leucine.
Molecular consequence: missense variant.
Genome position (GRCh38, 1-based): chr11:61,445,979, A>T. VCF-style: chr11-61445979-A-T. GRCh37 (hg19) VCF-style: chr11-61213451-A-T.
Other names: short protein forms M137L.
Identifiers: ClinVar variation 824589 (VCV000824589.4), dbSNP rs1590769285, ClinGen allele CA380685326.